The following is an entry in ClinVar:

ClinVar aggregate classification (germline): Uncertain significance (1 of 4 stars; one submission).

Conditions:
Nephronophthisis 9 (NPHP9). Identifiers: Orphanet 655, MedGen C3151188, MONDO:0013444, OMIM 613824.

gnomAD v4.1: 5 of 1,613,078 alleles (0.00031%); highest among the groups gnomAD compares: East Asian, 0.0089%; no homozygotes.

Submission:

Labcorp Genetics (formerly Invitae), Labcorp
Classification: Uncertain significance for Nephronophthisis 9. Last evaluated: 2024-06-30. Review status: criteria provided, single submitter. Criteria: Invitae Variant Classification Sherloc (09022015). Collection method: clinical testing. Allele origin: germline.
Comment: This sequence change affects codon 276 of the NEK8 mRNA. It is a 'silent' change, meaning that it does not change the encoded amino acid sequence of the NEK8 protein. It affects a nucleotide within the consensus splice site. This variant is present in population databases (rs770133538, gnomAD 0.02%). This variant has not been reported in the literature in individuals affected with NEK8-related conditions. Algorithms developed to predict the effect of sequence changes on RNA splicing suggest that this variant may disrupt the consensus splice site. In summary, the available evidence is currently insufficient to determine the role of this variant in disease. Therefore, it has been classified as a Variant of Uncertain Significance.

NM_178170.3(NEK8):c.826A>C (p.Arg276=)

Gene: NEK8 (NIMA related kinase 8; plus strand). Cytogenetic location: 17q11.2.
Variant type: single nucleotide variant.
Coding change: c.826A>C on transcript NM_178170.3 (MANE Select); coding-DNA position 826, A replaced by C.
Protein change: p.Arg276=; no amino-acid change (arginine 276 retained).
Molecular consequence: synonymous variant.
Genome position (GRCh38, 1-based): chr17:28,737,513, A>C. VCF-style: chr17-28737513-A-C. GRCh37 (hg19) VCF-style: chr17-27064531-A-C.
Identifiers: ClinVar variation 3631263 (VCV003631263.2).